The following is an entry in ClinVar:

ClinVar aggregate classification (germline): Uncertain significance (1 of 4 stars; one submission).

Conditions:
Bethlem myopathy 1A. Also called: MYOPATHY, BENIGN CONGENITAL, WITH CONTRACTURES; Bethlem myopathy 1; Bethlem Muscular Dystrophy. Identifiers: Orphanet 610, MedGen CN029274, MONDO:0024530, OMIM 158810.

Submission:

Labcorp Genetics (formerly Invitae), Labcorp
Classification: Uncertain significance for Bethlem myopathy 1A. Last evaluated: 2025-08-28. Review status: criteria provided, single submitter. Criteria: Invitae Variant Classification Sherloc (09022015). Collection method: clinical testing. Allele origin: germline.
Comment: This sequence change replaces threonine, which is neutral and polar, with isoleucine, which is neutral and non-polar, at codon 1795 of the COL6A3 protein (p.Thr1795Ile). This variant is not present in population databases (gnomAD no frequency). This variant has not been reported in the literature in individuals affected with COL6A3-related conditions. Invitae Evidence Modeling of protein sequence and biophysical properties (such as structural, functional, and spatial information, amino acid conservation, physicochemical variation, residue mobility, and thermodynamic stability) indicates that this missense variant is not expected to disrupt COL6A3 protein function with a negative predictive value of 80%. In summary, the available evidence is currently insufficient to determine the role of this variant in disease. Therefore, it has been classified as a Variant of Uncertain Significance.

NM_004369.4(COL6A3):c.5384C>T (p.Thr1795Ile)

Gene: COL6A3 (collagen type VI alpha 3 chain; minus strand). Cytogenetic location: 2q37.3.
Variant type: single nucleotide variant.
Coding change: c.5384C>T on transcript NM_004369.4 (MANE Select); coding-DNA position 5384, C replaced by T.
Protein change: p.Thr1795Ile; replaces threonine 1795 with isoleucine.
Molecular consequence: missense variant.
Genome position (GRCh38, 1-based): chr2:237,366,803, G>A on the plus strand (C>T on the coding strand, the complement: COL6A3 is on the minus strand). VCF-style: chr2-237366803-G-A. GRCh37 (hg19) VCF-style: chr2-238275446-G-A.
Other names: c.3563C>T, p.Thr1188Ile (NM_057166.5); c.4766C>T, p.Thr1589Ile (NM_057167.4); short protein forms T1589I, T1188I, T1795I.
Identifiers: ClinVar variation 4741321 (VCV004741321.1).
Genomic context (GRCh38, chr2:237,366,803, plus strand): 5'-GTTTCCAAAACTTGCTCGCTCAGTTCGGACAGCTCCTGGACGTTGCCCACGCGGAACGCT[G>A]TGGCGCTGTTGGACGCTATCTTTCCAACCTCCTCCGAGTCGATATTCCTCACTCCAACAG-3'
Protein context (NP_004360.2, residues 1785-1805): EVGKIASNSA[Thr1795Ile]AFRVGNVQEL